The following is an entry in ClinVar:

NM_001145026.2(PTPRQ):c.3484C>G (p.Leu1162Val)

Gene: PTPRQ (protein tyrosine phosphatase receptor type Q; plus strand). Cytogenetic location: 12q21.31.
Variant type: single nucleotide variant.
Coding change: c.3484C>G on transcript NM_001145026.2 (MANE Select); coding-DNA position 3484, C replaced by G.
Protein change: p.Leu1162Val; replaces leucine 1162 with valine.
Molecular consequence: missense variant.
Genome position (GRCh38, 1-based): chr12:80,542,127, C>G. VCF-style: chr12-80542127-C-G. GRCh37 (hg19) VCF-style: chr12-80935906-C-G.
Other names: short protein forms L1162V.
Identifiers: ClinVar variation 2444610 (VCV002444610.25), dbSNP rs201270285, ClinGen allele CA6702640.

ClinVar aggregate classification (germline): Uncertain significance. Review status: criteria provided, multiple submitters, no conflicts (2 of 4 stars). 3 submissions from 3 submitters: Uncertain significance (3). Last evaluated 2026-02-03.

Allele frequency attached by ClinVar (database versions not stated): ExAC 0.00010.
gnomAD v4.1: 335 of 1,549,658 alleles (0.022%); highest among the groups gnomAD compares: Non-Finnish European, 0.027%; no homozygotes.

Submissions (3):

GeneDx
Classification: Uncertain significance. Last evaluated: 2026-02-03. Review status: criteria provided, single submitter. Criteria: GeneDx Variant Classification Process June 2021. Collection method: clinical testing. Allele origin: germline.
Comment: In silico analysis suggests that this missense variant does not alter protein structure/function; Has not been previously published as pathogenic or benign to our knowledge

CeGaT Center for Human Genetics Tuebingen
Classification: Uncertain significance. Last evaluated: 2023-12-01. Review status: criteria provided, single submitter. Criteria: CeGaT Center For Human Genetics Tuebingen Variant Classification Criteria Version 2. Collection method: clinical testing. Allele origin: germline. Affected: yes. Observed: 1 variant allele.
Comment: PTPRQ: PP4, BP4

Blueprint Genetics
Classification: Uncertain significance. Last evaluated: 2023-11-27. Review status: criteria provided, single submitter. Criteria: ACMG Guidelines, 2015. Collection method: clinical testing. Allele origin: germline.